The following is an entry in ClinVar:

NM_014989.7(RIMS1):c.4712C>T (p.Ser1571Phe)

Gene: RIMS1 (regulating synaptic membrane exocytosis 1; plus strand). Cytogenetic location: 6q13.
Variant type: single nucleotide variant.
Coding change: c.4712C>T on transcript NM_014989.7 (MANE Select); coding-DNA position 4712, C replaced by T.
Protein change: p.Ser1571Phe; replaces serine 1571 with phenylalanine.
Molecular consequence: missense variant.
Genome position (GRCh38, 1-based): chr6:72,398,342, C>T. VCF-style: chr6-72398342-C-T. GRCh37 (hg19) VCF-style: chr6-73108044-C-T.
Other names: c.2672C>T, p.Ser891Phe (NM_001168407.2); c.2087C>T, p.Ser696Phe (NM_001168408.2, NM_001350430.2); c.1916C>T, p.Ser639Phe (NM_001168409.2); c.2114C>T, p.Ser705Phe (NM_001168410.2); c.293C>T, p.Ser98Phe (NM_001168411.2); c.2633C>T, p.Ser878Phe (NM_001350414.2); c.2729C>T, p.Ser910Phe (NM_001350415.2); c.2678C>T, p.Ser893Phe (NM_001350416.2); and 54 more; short protein forms S1571F, S645F, S668F, S672F, S705F, S735F, S817F, S838F.
Identifiers: ClinVar variation 962469 (VCV000962469.9), dbSNP rs2098802494, ClinGen allele CA364820804.
Genomic context (GRCh38, chr6:72,398,342, plus strand): 5'-GCCAATTAGAAGTGGAAGTCATTAGAGCACGAAGCCTCACACAAAAGCCTGGTTCCAAAT[C>T]TACACCTGGTAAGGAGAAGTATTCCTGAATTTGGTGAAGGGACTATTTAATAGGCAAACA-3'
Protein context (NP_055804.2, residues 1561-1581): RSLTQKPGSK[Ser1571Phe]TPAPYVKVYL

ClinVar aggregate classification (germline): Uncertain significance (1 of 4 stars; one submission).

Submission:

Labcorp Genetics (formerly Invitae), Labcorp
Classification: Uncertain significance. Last evaluated: 2019-08-07. Review status: criteria provided, single submitter. Criteria: Invitae Variant Classification Sherloc (09022015). Collection method: clinical testing. Allele origin: germline.
Comment: In summary, the available evidence is currently insufficient to determine the role of this variant in disease. Therefore, it has been classified as a Variant of Uncertain Significance. Algorithms developed to predict the effect of missense changes on protein structure and function are either unavailable or do not agree on the potential impact of this missense change (SIFT: "Deleterious"; PolyPhen-2: "Probably Damaging"; Align-GVGD: "Class C15"). This variant has not been reported in the literature in individuals with RIMS1-related conditions. This variant is not present in population databases (ExAC no frequency). This sequence change replaces serine with phenylalanine at codon 1571 of the RIMS1 protein (p.Ser1571Phe). The serine residue is highly conserved and there is a large physicochemical difference between serine and phenylalanine.